The following is an entry in ClinVar:

NM_019032.6(ADAMTSL4):c.1957G>A (p.Ala653Thr)

Genes: ADAMTSL4 (ADAMTS like 4; plus strand), ADAMTSL4-AS2 (ADAMTSL4 antisense RNA 2; minus strand). Cytogenetic location: 1q21.2.
Variant type: single nucleotide variant.
Coding change: c.1957G>A on transcript NM_019032.6 (MANE Select); coding-DNA position 1957, G replaced by A.
Protein change: p.Ala653Thr; replaces alanine 653 with threonine.
Molecular consequence: missense variant. On other transcripts: intron variant (1).
Genome position (GRCh38, 1-based): chr1:150,557,245, G>A. VCF-style: chr1-150557245-G-A. GRCh37 (hg19) VCF-style: chr1-150529721-G-A.
Other names: c.1957G>A (NM_019032.4, NM_019032.5); c.2026G>A, p.Ala676Thr (NM_001288608.2); c.1957G>A, p.Ala653Thr (NM_001378596.1, NM_025008.5); c.1857-17G>A (NM_001288607.2); short protein forms A676T, A653T.
Identifiers: ClinVar variation 1370805 (VCV001370805.7), dbSNP rs587687025, ClinGen allele CA1078470.

ClinVar aggregate classification (germline): Uncertain significance. Review status: criteria provided, multiple submitters, no conflicts (2 of 4 stars). 5 submissions from 4 submitters: Uncertain significance (5). Last evaluated 2025-04-20.

Conditions:
ADAMTSL4-related disorder. Also called: ADAMTSL4-related condition; ADAMTSL4-Related Disorders.
Inborn genetic diseases. Identifiers: MedGen C0950123, MeSH D030342.
Ectopia lentis 2, isolated, autosomal recessive (ECTOL2). Identifiers: Orphanet 1885, MedGen C3541474, MONDO:0009152, OMIM 225100.
Ectopia lentis et pupillae. Also called: ECTOPIA LENTIS WITH ECTOPIA OF PUPIL. Identifiers: Orphanet 1885, MedGen C1644196, MONDO:0009153, OMIM 225200.

Allele frequency attached by ClinVar (database versions not stated): gnomAD 0.00005.
gnomAD v4.1: 29 of 1,367,240 alleles (0.0021%); highest among the groups gnomAD compares: African/African-American, 0.0089%; no homozygotes.

Submissions (5):

Ambry Genetics
Classification: Uncertain significance for Inborn genetic diseases. Last evaluated: 2025-04-20. Review status: criteria provided, single submitter. Criteria: Ambry Variant Classification Scheme 2023. Collection method: clinical testing. Allele origin: germline.

PreventionGenetics, part of Exact Sciences
Classification: Uncertain significance for ADAMTSL4-related condition. Last evaluated: 2025-01-31. Review status: criteria provided, single submitter. Criteria: ACMG Guidelines, 2015. Collection method: clinical testing. Allele origin: germline.
Comment: The ADAMTSL4 c.1957G>A variant is predicted to result in the amino acid substitution p.Ala653Thr. To our knowledge, this variant has not been reported in the literature. This variant is reported in 0.0042% of alleles in individuals of African descent in gnomAD. At this time, the clinical significance of this variant is uncertain due to the absence of conclusive functional and genetic evidence.

Genome-Nilou Lab
Classification: Uncertain significance for Ectopia lentis et pupillae. Last evaluated: 2023-04-11. Review status: criteria provided, single submitter. Criteria: ACMG Guidelines, 2015. Collection method: clinical testing. Allele origin: germline. Affected: no.

Genome-Nilou Lab
Classification: Uncertain significance for Ectopia lentis 2, isolated, autosomal recessive. Last evaluated: 2023-04-11. Review status: criteria provided, single submitter. Criteria: ACMG Guidelines, 2015. Collection method: clinical testing. Allele origin: germline. Affected: no.

Labcorp Genetics (formerly Invitae), Labcorp
Classification: Uncertain significance. Last evaluated: 2022-03-25. Review status: criteria provided, single submitter. Criteria: Invitae Variant Classification Sherloc (09022015). Collection method: clinical testing. Allele origin: germline.
Comment: This sequence change replaces alanine, which is neutral and non-polar, with threonine, which is neutral and polar, at codon 653 of the ADAMTSL4 protein (p.Ala653Thr). This variant is present in population databases (rs587687025, gnomAD 0.004%). This variant has not been reported in the literature in individuals affected with ADAMTSL4-related conditions. Algorithms developed to predict the effect of missense changes on protein structure and function (SIFT, PolyPhen-2, Align-GVGD) all suggest that this variant is likely to be tolerated. In summary, the available evidence is currently insufficient to determine the role of this variant in disease. Therefore, it has been classified as a Variant of Uncertain Significance.